The following is an entry in ClinVar:

ClinVar aggregate classification (germline): Uncertain significance (1 of 4 stars; one submission).

Conditions:
Malignant hyperthermia, susceptibility to, 1 (MHS1). Also called: Anesthesia related hyperthermia; Malignant hyperpyrexia; Fulminating hyperpyrexia; Pharmacogenic myopathy; RYR1-Related Malignant Hyperthermia Susceptibility; Malignant hyperthermia suceptibility 1. Identifiers: Orphanet 423, MedGen C2930980, MONDO:0007783, OMIM 145600.

gnomAD v4.1: 3 of 1,614,124 alleles (0.00019%); highest among the groups gnomAD compares: Non-Finnish European, 0.00017%; no homozygotes.

Submission:

All of Us Research Program, National Institutes of Health
Classification: Uncertain significance for Malignant hyperthermia, susceptibility to, 1. Last evaluated: 2023-12-18. Review status: criteria provided, single submitter. Criteria: ACMG Guidelines, 2015. Collection method: clinical testing. Allele origin: germline. Inheritance: Autosomal dominant inheritance. Observed: 1 variant allele, 1 heterozygote.
Comment: This missense variant replaces proline with arginine at codon 3567 of the RYR1 protein. Computational prediction is inconclusive regarding the impact of this variant on protein structure and function (internally defined REVEL score threshold 0.5 < inconclusive < 0.7, PMID: 27666373). To our knowledge, functional studies have not been reported for this variant. This variant has not been reported in individuals affected with RYR1-related disorders in the literature. This variant has not been identified in the general population by the Genome Aggregation Database (gnomAD). The available evidence is insufficient to determine the role of this variant in disease conclusively. Therefore, this variant is classified as a Variant of Uncertain Significance.

This study involves interpretation of variants in research participants for the purpose of population health screening. Participant phenotype was not available at the time of variant classification. Additional details can be found in publication PMID: 35346344, PMCID: PMC8962531

NM_000540.3(RYR1):c.10700C>G (p.Pro3567Arg)

Gene: RYR1 (ryanodine receptor 1; plus strand). Cytogenetic location: 19q13.2.
Variant type: single nucleotide variant.
Coding change: c.10700C>G on transcript NM_000540.3 (MANE Select); coding-DNA position 10700, C replaced by G.
Protein change: p.Pro3567Arg; replaces proline 3567 with arginine.
Molecular consequence: missense variant.
Genome position (GRCh38, 1-based): chr19:38,527,660, C>G. VCF-style: chr19-38527660-C-G. GRCh37 (hg19) VCF-style: chr19-39018300-C-G.
Other names: c.10685C>G, p.Pro3562Arg (NM_001042723.2); short protein forms P3562R, P3567R.
Identifiers: ClinVar variation 3075114 (VCV003075114.1), dbSNP rs1223196426, ClinGen allele CA405646510.